The following is an entry in ClinVar:

ClinVar aggregate classification (germline): Likely pathogenic. Review status: criteria provided, single submitter (1 of 4 stars). 2 submissions from 2 submitters: Likely pathogenic (1). 1 of the submissions does not count toward it. Last evaluated 2026-02-23.

Conditions:
HSD17B4-related disorder. Also called: HSD17B4-related condition; HSD17B4-related disorders.
Bifunctional peroxisomal enzyme deficiency (DBIF). Also called: D-bifunctional protein deficiency; DBP DEFICIENCY; PBFE DEFICIENCY. Identifiers: Orphanet 300, MedGen C0342870, MONDO:0009855, OMIM 261515. Disease mechanism: loss of function.

gnomAD v4.1: 1 of 1,599,198 alleles (0.000063%); highest among the groups gnomAD compares: Non-Finnish European, 0.000086%; no homozygotes.

Submissions (2):

PreventionGenetics, part of Exact Sciences
Classification: Likely pathogenic for HSD17B4-related condition. Last evaluated: 2026-02-23. Review status: criteria provided, single submitter. Criteria: ACMG Guidelines, 2015. Collection method: clinical testing. Allele origin: germline.
Comment: The HSD17B4 c.317G>C variant is predicted to result in the amino acid substitution p.Arg106Pro. This variant was reported in the compound heterozygous state in an infant with chylous ascites, polyhydramnios, claw hands, hammer toes, psychomotor delay, and craniofacial dysmorphisms associated with D-bifunctional protein deficiency (Nakano et al. 2001. PubMed ID: 11743515). This variant is located in the dehydrogenase domain and functional studies indicated that this variant led to a decrease in protein activity (Nakano et al. 2001. PubMed ID: 11743515). This variant has not been reported in a large population database (gnomAD), indicating this variant is rare. This variant is interpreted as likely pathogenic.

OMIM
Classification: Pathogenic for D-BIFUNCTIONAL PROTEIN DEFICIENCY. Last evaluated: 2001-12-01. Review status: no assertion criteria provided. Collection method: literature only. Allele origin: germline. Not counted in ClinVar's aggregate classification.

Literature cited by the submitters: PubMed 11743515 (cited by OMIM).

NM_000414.4(HSD17B4):c.317G>C (p.Arg106Pro)

Gene: HSD17B4 (hydroxysteroid 17-beta dehydrogenase 4; plus strand). Cytogenetic location: 5q23.1.
Variant type: single nucleotide variant.
Coding change: c.317G>C on transcript NM_000414.4 (MANE Select); coding-DNA position 317, G replaced by C.
Protein change: p.Arg106Pro; replaces arginine 106 with proline.
Molecular consequence: missense variant. On other transcripts: 5 prime UTR variant (1).
Genome position (GRCh38, 1-based): chr5:119,475,838, G>C. VCF-style: chr5-119475838-G-C. GRCh37 (hg19) VCF-style: chr5-118811533-G-C.
Other names: c.392G>C, p.Arg131Pro (NM_001199291.3); c.263G>C, p.Arg88Pro (NM_001199292.2); c.245G>C, p.Arg82Pro (NM_001292027.2); c.-95G>C (NM_001292028.2); c.317G>C (NM_000414.3); short protein forms R106P, R82P, R131P, R88P.
Identifiers: ClinVar variation 7657 (VCV000007657.2), dbSNP rs25640, ClinGen allele CA118962.